The following is an entry in ClinVar:

ClinVar aggregate classification (germline): Uncertain significance (1 of 4 stars; one submission).

Submission:

Labcorp Genetics (formerly Invitae), Labcorp
Classification: Uncertain significance. Last evaluated: 2025-09-16. Review status: criteria provided, single submitter. Criteria: Invitae Variant Classification Sherloc (09022015). Collection method: clinical testing. Allele origin: germline.
Comment: This sequence change replaces arginine, which is basic and polar, with glycine, which is neutral and non-polar, at codon 1665 of the USP9X protein (p.Arg1665Gly). This variant is not present in population databases (gnomAD no frequency). This variant has not been reported in the literature in individuals affected with USP9X-related conditions. An algorithm developed to predict the effect of missense changes on protein structure and function (PolyPhen-2) suggests that this variant is likely to be tolerated. In summary, the available evidence is currently insufficient to determine the role of this variant in disease. Therefore, it has been classified as a Variant of Uncertain Significance.

NM_001039591.3(USP9X):c.4993A>G (p.Arg1665Gly)

Gene: USP9X (ubiquitin specific peptidase 9 X-linked; plus strand). Cytogenetic location: Xp11.4.
Variant type: single nucleotide variant.
Coding change: c.4993A>G on transcript NM_001039591.3 (MANE Select); coding-DNA position 4993, A replaced by G.
Protein change: p.Arg1665Gly; replaces arginine 1665 with glycine.
Molecular consequence: missense variant.
Genome position (GRCh38, 1-based): chrX:41,205,471, A>G. VCF-style: chrX-41205471-A-G. GRCh37 (hg19) VCF-style: chrX-41064724-A-G.
Other names: c.4993A>G, p.Arg1665Gly (NM_001039590.3); c.5008A>G, p.Arg1670Gly (NM_001410748.1, NM_001410749.1, NM_001437534.1); short protein forms R1665G, R1670G.
Identifiers: ClinVar variation 4727292 (VCV004727292.1).
Genomic context (GRCh38, chrX:41,205,471, plus strand): 5'-AGACACCTTCAGGTCATCTTTGGTCATTTAGCTGCTTCTCGACTGCAATACTATGTGCCC[A>G]GAGGATTTTGGAAACAGTTCAGGTAAACTATGGATGGACAGTAATAGAGATACTTCTTAA-3'
Protein context (NP_001034680.2, residues 1655-1675): AASRLQYYVP[Arg1665Gly]GFWKQFRLWG